The following is an entry in ClinVar:

ClinVar aggregate classification (germline): Pathogenic/Likely pathogenic. Review status: criteria provided, multiple submitters, no conflicts (2 of 4 stars). 2 submissions from 2 submitters: Pathogenic (1); Likely pathogenic (1). Last evaluated 2024-07-06.

Conditions:
Cardiovascular phenotype. Identifiers: MedGen CN230736.
Aortic valve disease 2 (AOVD2). Identifiers: MedGen C3542024, MONDO:0013902, OMIM 614823.

Submissions (2):

Ambry Genetics
Classification: Likely pathogenic for Cardiovascular phenotype. Last evaluated: 2024-07-06. Review status: criteria provided, single submitter. Criteria: Ambry Variant Classification Scheme 2023. Collection method: clinical testing. Allele origin: germline.
Comment: The c.982+2T>G intronic variant results from a T to G substitution two nucleotides after coding exon 7 in the TBX5 gene. This alteration occurs at the 3' terminus of the TBX5 gene, is not expected to trigger nonsense-mediated mRNA decay, and impacts the last 51% of the protein. The exact functional effect of this alteration is unknown; however, a significant portion of the protein is affected (Ambry internal data). This variant is considered to be rare based on population cohorts in the Genome Aggregation Database (gnomAD). This nucleotide position is highly conserved in available vertebrate species. In silico splice site analysis predicts that this alteration will weaken the native splice donor site. Based on the majority of available evidence to date, this variant is likely to be pathogenic.

Labcorp Genetics (formerly Invitae), Labcorp
Classification: Pathogenic for Aortic valve disease 2. Last evaluated: 2021-06-17. Review status: criteria provided, single submitter. Criteria: Invitae Variant Classification Sherloc (09022015). Collection method: clinical testing. Allele origin: germline.
Comment: This sequence change affects a donor splice site in intron 8 of the TBX5 gene. While this variant is not anticipated to result in nonsense mediated decay, it likely alters RNA splicing and results in a disrupted protein product. This variant is not present in population databases (ExAC no frequency). This variant has not been reported in the literature in individuals with TBX5-related conditions. Nucleotide substitutions within the consensus splice site are a relatively common cause of aberrant splicing (PMID: 17576681, 9536098). Algorithms developed to predict the effect of sequence changes on RNA splicing suggest that this variant may disrupt the consensus splice site, but this prediction has not been confirmed by published transcriptional studies. This variant disrupts the C-terminus of the TBX5 protein. Other variant(s) that disrupt this region (p.Ser372*) have been determined to be pathogenic (Invitae). This suggests that variants that disrupt this region of the protein are likely to be causative of disease. For these reasons, this variant has been classified as Pathogenic.

Literature cited by the submitters: PubMed 17576681 (cited by Labcorp Genetics (formerly Invitae), Labcorp); PubMed 9536098 (cited by Labcorp Genetics (formerly Invitae), Labcorp).

NM_181486.4(TBX5):c.982+2T>G

Gene: TBX5 (T-box transcription factor 5; minus strand). Cytogenetic location: 12q24.21.
Variant type: single nucleotide variant.
Coding change: c.982+2T>G on transcript NM_181486.4 (MANE Select); the canonical splice donor site of the intron after coding-DNA position 982, T replaced by G.
Molecular consequence: splice donor variant.
Genome position (GRCh38, 1-based): chr12:114,366,163, A>C on the plus strand (T>G on the coding strand, the complement: TBX5 is on the minus strand). VCF-style: chr12-114366163-A-C. GRCh37 (hg19) VCF-style: chr12-114803968-A-C.
Other names: c.832+2T>G (NM_080717.4); c.982+2T>G (NM_000192.3).
Identifiers: ClinVar variation 1455790 (VCV001455790.9), dbSNP rs2136373205, ClinGen allele CA386926200.